The following is an entry in ClinVar:

NM_000310.4(PPT1):c.422G>A (p.Gly141Glu)

Gene: PPT1 (palmitoyl-protein thioesterase 1; minus strand). Cytogenetic location: 1p34.2.
Variant type: single nucleotide variant.
Coding change: c.422G>A on transcript NM_000310.4 (MANE Select); coding-DNA position 422, G replaced by A.
Protein change: p.Gly141Glu; replaces glycine 141 with glutamic acid.
Molecular consequence: missense variant. On other transcripts: intron variant (1).
Genome position (GRCh38, 1-based): chr1:40,091,340, C>T on the plus strand (G>A on the coding strand, the complement: PPT1 is on the minus strand). VCF-style: chr1-40091340-C-T. GRCh37 (hg19) VCF-style: chr1-40557012-C-T.
Other names: c.422G>A, p.Gly141Glu (NM_001363695.2); c.125-1828G>A (NM_001142604.2); short protein forms G141E.
Identifiers: ClinVar variation 4057284 (VCV004057284.1).

ClinVar aggregate classification (germline): Uncertain significance (1 of 4 stars; one submission).

Conditions:
Neuronal ceroid lipofuscinosis 1 (CLN1). Also called: CEROID LIPOFUSCINOSIS, NEURONAL, 1, VARIABLE AGE AT ONSET; PPT1-Related Neuronal Ceroid-Lipofuscinosis. Identifiers: Orphanet 228329, MedGen C1850451, MONDO:0009744, OMIM 256730.

Submission:

Diagnostics Services (NGS), CSIR - Centre For Cellular And Molecular Biology
Classification: Uncertain significance for Neuronal ceroid lipofuscinosis 1. Last evaluated: 2025-06-16. Review status: criteria provided, single submitter. Criteria: ACMG Guidelines, 2015. Collection method: clinical testing. Allele origin: germline. Affected: yes. Observed: 1 variant allele, 1 homozygote.
Comment: The c.422G>A variant is not present in publicly available population databases like 1000 Genomes, EVS, gnomAD, Indian Exome Database or our internal database. This variant has neither been published in the literature for PPT1-related conditions nor reported to clinical databases like Human Genome Mutation database (HGMD), ClinVar or OMIM in any affected individuals. In-silico pathogenicity prediction programs like Polyphen-2, MutationTaster2021, CADD, Varsome, Franklin etc predicted this variant to be likely deleterious however these predictions were not confirmed by published functional studies.